The following is an entry in ClinVar:

NM_020778.5(ALPK3):c.3640_3643dup (p.Pro1215fs)

Gene: ALPK3 (alpha kinase 3; plus strand). Cytogenetic location: 15q25.3.
Variant type: Duplication.
Coding change: c.3640_3643dup on transcript NM_020778.5 (MANE Select); coding-DNA positions 3640 to 3643, 4 bases duplicated (TCCC; older notation c.3640_3643dupTCCC).
Protein change: p.Pro1215fs; shifts the reading frame from proline 1215.
Molecular consequence: frameshift variant.
Genome position (GRCh38, 1-based): chr15:84,858,378-84,858,381, TCCC duplicated; duplicating any 4 consecutive bases within chr15:84,858,377-84,858,381 gives the same sequence; the c. name uses the placement nearest the transcript's 3' end. VCF-style (leftmost placement, unchanged base first): chr15-84858376-G-GCTCC. GRCh37 (hg19) VCF-style: chr15-85401607-G-GCTCC.
Other names: c.4246_4249dupTCCC (NM_020778.4); short protein forms P1215fs.
Identifiers: ClinVar variation 636429 (VCV000636429.4), dbSNP rs756970868, ClinGen allele CA7709684.
Genomic context (GRCh38, chr15:84,858,376, plus strand): 5'-CCCGGGGGCCCAGGAAAAGCCTGGTGCCTGGGTCCCCAGGGACTCCAGGGCGGGAGAGAC[G>GCTCC]CTCCCCTACGCAGGGCAGAAAGGCGAGCATGCTGGAGGTGCCTCGGGCAGAGGAGGAGCT-3'

ClinVar aggregate classification (germline): Pathogenic/Likely pathogenic. Review status: criteria provided, multiple submitters, no conflicts (2 of 4 stars). 2 submissions from 2 submitters: Pathogenic (1); Likely pathogenic (1). Last evaluated 2025-09-15.

Conditions:
ALPK3-related disorder. Also called: ALPK3-related condition.

Submissions (2):

Labcorp Genetics (formerly Invitae), Labcorp
Classification: Pathogenic. Last evaluated: 2025-09-15. Review status: criteria provided, single submitter. Criteria: Invitae Variant Classification Sherloc (09022015). Collection method: clinical testing. Allele origin: germline.
Comment: This sequence change creates a premature translational stop signal (p.Pro1417Leufs*42) in the ALPK3 gene. It is expected to result in an absent or disrupted protein product. Loss-of-function variants in ALPK3 are known to be pathogenic (PMID: 21441111, 26846950, 27106955, 34263907). This variant is present in population databases (rs756970868, gnomAD 0.002%). This premature translational stop signal has been observed in individual(s) with clinical features of dilated cardiomyopathy (PMID: 32480058). ClinVar contains an entry for this variant (Variation ID: 636429). Algorithms developed to predict the effect of sequence changes on RNA splicing suggest that this variant may create or strengthen a splice site. For these reasons, this variant has been classified as Pathogenic.

Blueprint Genetics
Classification: Likely pathogenic for ALPK3-related disorders. Last evaluated: 2024-04-04. Review status: criteria provided, single submitter. Criteria: ACMG Guidelines, 2015. Collection method: clinical testing. Allele origin: germline. Affected: yes. Observed: 5 variant alleles.

Literature cited by the submitters: PubMed 21441111 (cited by Labcorp Genetics (formerly Invitae), Labcorp); PubMed 26846950 (cited by Labcorp Genetics (formerly Invitae), Labcorp); PubMed 27106955 (cited by Labcorp Genetics (formerly Invitae), Labcorp); PubMed 34263907 (cited by Labcorp Genetics (formerly Invitae), Labcorp); PubMed 32480058 (cited by Labcorp Genetics (formerly Invitae), Labcorp).